The following is an entry in ClinVar:

NM_001366385.1(CARD14):c.1806G>A (p.Ser602=)

Gene: CARD14 (caspase recruitment domain family member 14; plus strand). Cytogenetic location: 17q25.3.
Variant type: single nucleotide variant.
Coding change: c.1806G>A on transcript NM_001366385.1 (MANE Select); coding-DNA position 1806, G replaced by A.
Protein change: p.Ser602=; no amino-acid change (serine 602 retained).
Molecular consequence: synonymous variant. On other transcripts: non-coding transcript variant (1).
Genome position (GRCh38, 1-based): chr17:80,198,546, G>A. VCF-style: chr17-80198546-G-A. GRCh37 (hg19) VCF-style: chr17-78172345-G-A.
Other names: c.1806G>A, p.Ser602= (NM_001257970.1, NM_024110.4); c.1095G>A, p.Ser365= (NM_052819.3).
Identifiers: ClinVar variation 527879 (VCV000527879.41), dbSNP rs113127952, ClinGen allele CA8816997.

ClinVar aggregate classification (germline): Benign/Likely benign. Review status: criteria provided, multiple submitters, no conflicts (2 of 4 stars). 7 submissions from 7 submitters: Benign (3); Likely benign (3). 1 of the submissions does not count toward it. Last evaluated 2026-04-14.

Conditions:
Autoinflammatory syndrome. Identifiers: Orphanet 93665, MedGen C3890737, MONDO:0019751.
Pityriasis rubra pilaris (PRP). Also called: Pityriasis rubra pilaris--familial type. Identifiers: Orphanet 2897, MedGen C0032027, MONDO:0100017, OMIM 173200, MONDO:0008251.
Psoriasis 2. Identifiers: MedGen C1864497, MONDO:0011269, OMIM 602723.
CARD14-related disorder. Also called: CARD14-related condition.

Allele frequency attached by ClinVar (database versions not stated): gnomAD exomes 0.00044; ExAC 0.00048; 1000 Genomes Project 30x 0.00141; 1000 Genomes Project 0.00160; gnomAD 0.00181 and 0.00193; ESP Exome Variant Server 0.00192; TOPMed 0.00211.
gnomAD v4.1: 667 of 1,613,096 alleles (0.041%); highest among the groups gnomAD compares: African/African-American, 0.66%; 7 homozygotes.

Submissions (7):

Women's Health and Genetics/Laboratory Corporation of America, LabCorp
Classification: Benign. Last evaluated: 2026-04-14. Review status: criteria provided, single submitter. Criteria: LabCorp Variant Classification Summary - May 2015. Collection method: clinical testing. Allele origin: germline.

Labcorp Genetics (formerly Invitae), Labcorp
Classification: Benign for Pityriasis rubra pilaris; Psoriasis 2. Last evaluated: 2025-12-27. Review status: criteria provided, single submitter. Criteria: Invitae Variant Classification Sherloc (09022015). Collection method: clinical testing. Allele origin: germline.

CeGaT Center for Human Genetics Tuebingen
Classification: Likely benign. Last evaluated: 2024-12-01. Review status: criteria provided, single submitter. Criteria: CeGaT Center For Human Genetics Tuebingen Variant Classification Criteria Version 2. Collection method: clinical testing. Allele origin: germline. Affected: yes. Observed: 2 variant alleles.
Comment: CARD14: BP4, BP7

Blueprint Genetics
Classification: Likely benign. Last evaluated: 2024-08-12. Review status: criteria provided, single submitter. Criteria: ACMG Guidelines, 2015. Collection method: clinical testing. Allele origin: germline.

Genome Diagnostics Laboratory, The Hospital for Sick Children
Classification: Likely benign for Autoinflammatory syndrome. Last evaluated: 2021-01-27. Review status: criteria provided, single submitter. Criteria: ACMG Guidelines, 2015. Collection method: clinical testing. Allele origin: germline. Affected: yes.

Breakthrough Genomics
Classification: Benign. Review status: criteria provided, single submitter. Criteria: ACMG Guidelines, 2015. Collection method: not provided. Allele origin: germline. Inheritance: Autosomal dominant inheritance. Affected: yes.

PreventionGenetics, part of Exact Sciences
Classification: Benign for CARD14-related condition. Last evaluated: 2022-10-17. Review status: no assertion criteria provided. Collection method: clinical testing. Allele origin: germline. Not counted in ClinVar's aggregate classification.
Comment: This variant is classified as benign based on ACMG/AMP sequence variant interpretation guidelines (Richards et al. 2015 PMID: 25741868, with internal and published modifications).